The following is an entry in ClinVar:

NM_001270974.2(HYDIN):c.10086C>T (p.Val3362=)

Gene: HYDIN (HYDIN axonemal central pair apparatus protein; minus strand). Cytogenetic location: 16q22.2.
Variant type: single nucleotide variant.
Coding change: c.10086C>T on transcript NM_001270974.2 (MANE Select); coding-DNA position 10086, C replaced by T.
Protein change: p.Val3362=; no amino-acid change (valine 3362 retained).
Molecular consequence: synonymous variant.
Genome position (GRCh38, 1-based): chr16:70,882,789, G>A on the plus strand (C>T on the coding strand, the complement: HYDIN is on the minus strand). VCF-style: chr16-70882789-G-A. GRCh37 (hg19) VCF-style: chr16-70916692-G-A.
Identifiers: ClinVar variation 2646719 (VCV002646719.25), dbSNP rs201106783, ClinGen allele CA8149377.
Genomic context (GRCh38, chr16:70,882,789, plus strand): 5'-ACGAGCCTTGGCTTGGCGGCCCACCAGGACATTGCAGAAGATGAACTTGTTCTCATCCTC[G>A]ACGAACAGCCCCCCGCTCTCTATGGTCTGCAGGATGTGGTGCAGGTTGGCACTGGTACAT-3'
Protein context (NP_001257903.1, residues 3352-3372): LQTIESGGLF[Val3362=]EDENKFIFCN

ClinVar aggregate classification (germline): Likely benign. Review status: criteria provided, multiple submitters, no conflicts (2 of 4 stars). 2 submissions from 2 submitters: Likely benign (2). Last evaluated 2026-08-01.

Allele frequency attached by ClinVar (database versions not stated): 1000 Genomes Project 30x 0.00047; ESP Exome Variant Server 0.00077.
gnomAD v4.1: 830 of 1,495,814 alleles (0.055%); highest among the groups gnomAD compares: Middle Eastern, 0.19%; 4 homozygotes.

Submissions (2):

CeGaT Center for Human Genetics Tuebingen
Classification: Likely benign. Last evaluated: 2026-08-01. Review status: criteria provided, single submitter. Criteria: CeGaT Center For Human Genetics Tuebingen Variant Classification Criteria Version 2. Collection method: clinical testing. Allele origin: germline. Affected: yes. Observed: 2 variant alleles.
Comment: HYDIN: BP4, BP7

Blueprint Genetics
Classification: Likely benign. Last evaluated: 2024-11-05. Review status: criteria provided, single submitter. Criteria: ACMG Guidelines, 2015. Collection method: clinical testing. Allele origin: germline.